The following is an entry in ClinVar:

ClinVar aggregate classification (germline): Uncertain significance (1 of 4 stars; one submission).

Conditions:
AFF3-related disorder. Also called: AFF3-related condition.

Submission:

PreventionGenetics, part of Exact Sciences
Classification: Uncertain significance for AFF3-related condition. Last evaluated: 2023-02-15. Review status: criteria provided, single submitter. Criteria: ACMG Guidelines, 2015. Collection method: clinical testing. Allele origin: germline.
Comment: The AFF3 c.1815delC variant is predicted to result in a frameshift and premature protein termination (p.Glu606Argfs*40). To our knowledge, this variant has not been reported in the literature or in a large population database, indicating this variant is rare. At this time, the clinical significance of this variant is uncertain due to the absence of conclusive functional and genetic evidence.

NM_001386135.1(AFF3):c.1815del (p.Glu606fs)

Gene: AFF3 (ALF transcription elongation factor 3; minus strand). Cytogenetic location: 2q11.2.
Variant type: Deletion.
Coding change: c.1815del on transcript NM_001386135.1 (MANE Select); coding-DNA position 1815, one base deleted (C; older notation c.1815delC).
Protein change: p.Glu606fs; shifts the reading frame from glutamic acid 606.
Molecular consequence: frameshift variant.
Genome position (GRCh38, 1-based): chr2:99,593,846, G deleted on the plus strand (C on the coding strand, the reverse complement: AFF3 is on the minus strand); the first of 3 consecutive G bases (chr2:99,593,846-99,593,848); deleting any one gives the same sequence. VCF-style (leftmost placement, unchanged base first): chr2-99593845-CG-C. GRCh37 (hg19) VCF-style: chr2-100210307-CG-C.
Other names: c.1890del, p.Glu631fs (NM_001025108.2); c.1815del, p.Glu606fs (NM_002285.3); short protein forms E606fs, E631fs.
Identifiers: ClinVar variation 2630383 (VCV002630383.1), dbSNP rs2546102839, ClinGen allele CA2577123562.